The following is an entry in ClinVar:

ClinVar aggregate classification (germline): Uncertain significance (1 of 4 stars; one submission).

Conditions:
Pyruvate carboxylase deficiency. Also called: ATAXIA WITH LACTIC ACIDOSIS II; LEIGH NECROTIZING ENCEPHALOPATHY DUE TO PYRUVATE CARBOXYLASE DEFICIENCY; LEIGH SYNDROME DUE TO PYRUVATE CARBOXYLASE DEFICIENCY; PC DEFICIENCY; Pyruvate Carboxylase Deficiency Disease. Identifiers: Orphanet 3008, MedGen C0034341, MONDO:0009949, OMIM 266150.

Allele frequency attached by ClinVar (database versions not stated): gnomAD 0.00001; ExAC 0.00002; 1000 Genomes Project 30x 0.00016; 1000 Genomes Project 0.00020.
gnomAD v4.1: 5 of 1,614,078 alleles (0.00031%); highest among the groups gnomAD compares: Admixed American, 0.0017%; no homozygotes.

Submission:

Labcorp Genetics (formerly Invitae), Labcorp
Classification: Uncertain significance for Pyruvate carboxylase deficiency. Last evaluated: 2022-03-22. Review status: criteria provided, single submitter. Criteria: Invitae Variant Classification Sherloc (09022015). Collection method: clinical testing. Allele origin: germline.
Comment: This sequence change replaces alanine, which is neutral and non-polar, with valine, which is neutral and non-polar, at codon 1127 of the PC protein (p.Ala1127Val). This variant is present in population databases (rs200217380, gnomAD 0.006%). This variant has not been reported in the literature in individuals affected with PC-related conditions. Algorithms developed to predict the effect of missense changes on protein structure and function output the following: SIFT: "Tolerated"; PolyPhen-2: "Benign"; Align-GVGD: "Class C0". The valine amino acid residue is found in multiple mammalian species, which suggests that this missense change does not adversely affect protein function. Algorithms developed to predict the effect of sequence changes on RNA splicing suggest that this variant may create or strengthen a splice site. In summary, the available evidence is currently insufficient to determine the role of this variant in disease. Therefore, it has been classified as a Variant of Uncertain Significance.

NM_001040716.2(PC):c.3380C>T (p.Ala1127Val)

Gene: PC (pyruvate carboxylase; minus strand). Cytogenetic location: 11q13.2.
Variant type: single nucleotide variant.
Coding change: c.3380C>T on transcript NM_001040716.2 (MANE Select); coding-DNA position 3380, C replaced by T.
Protein change: p.Ala1127Val; replaces alanine 1127 with valine.
Molecular consequence: missense variant.
Genome position (GRCh38, 1-based): chr11:66,849,056, G>A on the plus strand (C>T on the coding strand, the complement: PC is on the minus strand). VCF-style: chr11-66849056-G-A. GRCh37 (hg19) VCF-style: chr11-66616527-G-A.
Other names: c.3380C>T, p.Ala1127Val (NM_000920.4, NM_022172.3); short protein forms A1127V.
Identifiers: ClinVar variation 1444405 (VCV001444405.3), dbSNP rs200217380, ClinGen allele CA6130799.